The following is an entry in ClinVar:

NM_001277313.2(FMN1):c.3604G>A (p.Asp1202Asn)

Gene: FMN1 (formin 1; minus strand). Cytogenetic location: 15q13.3.
Variant type: single nucleotide variant.
Coding change: c.3604G>A on transcript NM_001277313.2 (MANE Select); coding-DNA position 3604, G replaced by A.
Protein change: p.Asp1202Asn; replaces aspartic acid 1202 with asparagine.
Molecular consequence: missense variant.
Genome position (GRCh38, 1-based): chr15:32,900,029, C>T on the plus strand (G>A on the coding strand, the complement: FMN1 is on the minus strand). VCF-style: chr15-32900029-C-T. GRCh37 (hg19) VCF-style: chr15-33192230-C-T.
Other names: c.2935G>A, p.Asp979Asn (NM_001103184.4); short protein forms D1202N, D979N.
Identifiers: ClinVar variation 2971958 (VCV002971958.3), dbSNP rs374358070, ClinGen allele CA7456509.

ClinVar aggregate classification (germline): Uncertain significance (1 of 4 stars; one submission).

Allele frequency attached by ClinVar (database versions not stated): gnomAD 0.00001; TOPMed 0.00001; ExAC 0.00003; ESP Exome Variant Server 0.00017; gnomAD exomes 0.00001.
gnomAD v4.1: 17 of 1,613,838 alleles (0.0011%); highest among the groups gnomAD compares: African/African-American, 0.0027%; no homozygotes.

Submission:

Labcorp Genetics (formerly Invitae), Labcorp
Classification: Uncertain significance. Last evaluated: 2025-10-13. Review status: criteria provided, single submitter. Criteria: Invitae Variant Classification Sherloc (09022015). Collection method: clinical testing. Allele origin: germline.
Comment: This sequence change replaces aspartic acid, which is acidic and polar, with asparagine, which is neutral and polar, at codon 979 of the FMN1 protein (p.Asp979Asn). This variant is present in population databases (rs374358070, gnomAD 0.007%). This variant has not been reported in the literature in individuals affected with FMN1-related conditions. ClinVar contains an entry for this variant (Variation ID: 2971958). An algorithm developed to predict the effect of missense changes on protein structure and function (PolyPhen-2) suggests that this variant is likely to be disruptive. In summary, the available evidence is currently insufficient to determine the role of this variant in disease. Therefore, it has been classified as a Variant of Uncertain Significance.